The following is an entry in ClinVar:

ClinVar aggregate classification (germline): Uncertain significance (1 of 4 stars; one submission).

gnomAD v4.1: 4 of 1,613,904 alleles (0.00025%); highest among the groups gnomAD compares: Non-Finnish European, 0.00034%; no homozygotes.

Submission:

Labcorp Genetics (formerly Invitae), Labcorp
Classification: Uncertain significance. Last evaluated: 2023-08-17. Review status: criteria provided, single submitter. Criteria: Invitae Variant Classification Sherloc (09022015). Collection method: clinical testing. Allele origin: germline.
Comment: In summary, the available evidence is currently insufficient to determine the role of this variant in disease. Therefore, it has been classified as a Variant of Uncertain Significance. Advanced modeling of protein sequence and biophysical properties (such as structural, functional, and spatial information, amino acid conservation, physicochemical variation, residue mobility, and thermodynamic stability) performed at Invitae indicates that this missense variant is not expected to disrupt CDH23 protein function. ClinVar contains an entry for this variant (Variation ID: 1470540). This variant has not been reported in the literature in individuals affected with CDH23-related conditions. This variant is not present in population databases (gnomAD no frequency). This sequence change replaces valine, which is neutral and non-polar, with leucine, which is neutral and non-polar, at codon 2754 of the CDH23 protein (p.Val2754Leu).

NM_022124.6(CDH23):c.8260G>C (p.Val2754Leu)

Gene: CDH23 (cadherin related 23; plus strand). Cytogenetic location: 10q22.1.
Variant type: single nucleotide variant.
Coding change: c.8260G>C on transcript NM_022124.6 (MANE Select); coding-DNA position 8260, G replaced by C.
Protein change: p.Val2754Leu; replaces valine 2754 with leucine.
Molecular consequence: missense variant.
Genome position (GRCh38, 1-based): chr10:71,807,358, G>C. VCF-style: chr10-71807358-G-C. GRCh37 (hg19) VCF-style: chr10-73567115-G-C.
Other names: c.1540G>C, p.Val514Leu (NM_001171933.1, NM_001171934.1); short protein forms V2754L, V514L.
Identifiers: ClinVar variation 1470540 (VCV001470540.6), dbSNP rs2132987759, ClinGen allele CA377131083.
Genomic context (GRCh38, chr10:71,807,358, plus strand): 5'-CTGCTGACAGTGCCTGAGCACTCACCACGCGGCACCCTCGTGGGCAACGTGACAGGCGCA[G>C]TGGATGCAGATGAGGGCCCCAACGCGATCGTGTACTACTTCATCGCAGGTGGGGCCAGAC-3'
Protein context (NP_071407.4, residues 2744-2764): GTLVGNVTGA[Val2754Leu]DADEGPNAIV